The following is an entry in ClinVar:

ClinVar aggregate classification (germline): Conflicting classifications of pathogenicity. Review status: criteria provided, conflicting classifications (1 of 4 stars). 8 submissions from 4 submitters: Uncertain significance (5); Likely benign (1). 2 of the submissions do not count toward it. Last evaluated 2025-12-24.

Conditions:
CEP290-related disorder. Also called: CEP290-related condition; CEP290-related disorders. Identifiers: MedGen CN239314.
Joubert syndrome. Also called: CEREBELLOPARENCHYMAL DISORDER IV; JOUBERT-BOLTSHAUSER SYNDROME; Familial aplasia of the vermis. Identifiers: Orphanet 475, MedGen C5979921, MONDO:0018772.
Meckel-Gruber syndrome. Also called: Dysencephalia splachnocystica; DYSENCEPHALIA SPLANCHNOCYSTICA; GRUBER SYNDROME. Identifiers: Orphanet 564, MedGen C0265215, MONDO:0018921.
Nephronophthisis. Also called: Juvenile Nephronophthisis. Identifiers: Orphanet 655, MedGen C0687120, MONDO:0019005, HP:0000090.
Meckel syndrome, type 4 (MKS4). Also called: MECKEL-GRUBER SYNDROME, TYPE 4. Identifiers: Orphanet 564, MedGen C1970161, MONDO:0012626, OMIM 611134.
Leber congenital amaurosis (LCA). Also called: Leber's amaurosis. Identifiers: Orphanet 65, MedGen C0339527, MeSH D057130, MONDO:0018998.
Leber congenital amaurosis 10 (LCA10). Identifiers: Orphanet 65, MedGen C1857821, MONDO:0012723, OMIM 611755.
Bardet-Biedl syndrome 14 (BBS14). Identifiers: Orphanet 110, MedGen C2673874, MONDO:0014442, OMIM 615991.
Joubert syndrome 5 (JBTS5). Identifiers: Orphanet 2318, MedGen C1857780, MONDO:0012432, OMIM 610188.
Senior-Loken syndrome 6 (SLSN6). Identifiers: Orphanet 3156, MedGen C1857779, MONDO:0012433, OMIM 610189.

Allele frequency attached by ClinVar (database versions not stated): gnomAD exomes 0.00003 and 0.00004; TOPMed 0.00003; gnomAD 0.00005 and 0.00006; ESP Exome Variant Server 0.00009; ExAC 0.00015.
gnomAD v4.1: 48 of 1,532,496 alleles (0.0031%); highest among the groups gnomAD compares: South Asian, 0.019%; no homozygotes.

Submissions (8):

Labcorp Genetics (formerly Invitae), Labcorp
Classification: Likely benign for Joubert syndrome; Meckel-Gruber syndrome; Nephronophthisis. Last evaluated: 2025-12-24. Review status: criteria provided, single submitter. Criteria: Invitae Variant Classification Sherloc (09022015). Collection method: clinical testing. Allele origin: germline.

Illumina Laboratory Services, Illumina
Classification: Uncertain significance for Senior-Loken syndrome 6. Last evaluated: 2018-01-12. Review status: criteria provided, single submitter. Criteria: ICSL Variant Classification Criteria 13 December 2019. Collection method: clinical testing. Allele origin: germline.

Illumina Laboratory Services, Illumina
Classification: Uncertain significance for Meckel syndrome, type 4. Last evaluated: 2018-01-12. Review status: criteria provided, single submitter. Criteria: ICSL Variant Classification Criteria 13 December 2019. Collection method: clinical testing. Allele origin: germline.

Illumina Laboratory Services, Illumina
Classification: Uncertain significance for Bardet-Biedl syndrome 14. Last evaluated: 2018-01-12. Review status: criteria provided, single submitter. Criteria: ICSL Variant Classification Criteria 13 December 2019. Collection method: clinical testing. Allele origin: germline.

Illumina Laboratory Services, Illumina
Classification: Uncertain significance for Leber congenital amaurosis 10. Last evaluated: 2018-01-12. Review status: criteria provided, single submitter. Criteria: ICSL Variant Classification Criteria 13 December 2019. Collection method: clinical testing. Allele origin: germline.

Illumina Laboratory Services, Illumina
Classification: Uncertain significance for Joubert syndrome 5. Last evaluated: 2018-01-12. Review status: criteria provided, single submitter. Criteria: ICSL Variant Classification Criteria 13 December 2019. Collection method: clinical testing. Allele origin: germline.

Natera, Inc.
Classification: Uncertain significance for Leber congenital amaurosis. Last evaluated: 2020-01-17. Review status: no assertion criteria provided. Collection method: clinical testing. Allele origin: germline. Not counted in ClinVar's aggregate classification.

PreventionGenetics, part of Exact Sciences
Classification: Likely benign for CEP290-related condition. Last evaluated: 2019-05-28. Review status: no assertion criteria provided. Collection method: clinical testing. Allele origin: germline. Not counted in ClinVar's aggregate classification.
Comment: This variant is classified as likely benign based on ACMG/AMP sequence variant interpretation guidelines (Richards et al. 2015 PMID: 25741868, with internal and published modifications).

NM_025114.4(CEP290):c.6358-5C>T

Gene: CEP290 (centrosomal protein 290; minus strand). Cytogenetic location: 12q21.32.
Variant type: single nucleotide variant.
Coding change: c.6358-5C>T on transcript NM_025114.4 (MANE Select); 5 bases into the intron before coding-DNA position 6358, C replaced by T.
Molecular consequence: intron variant.
Genome position (GRCh38, 1-based): chr12:88,060,999, G>A on the plus strand (C>T on the coding strand, the complement: CEP290 is on the minus strand). VCF-style: chr12-88060999-G-A. GRCh37 (hg19) VCF-style: chr12-88454776-G-A.
Identifiers: ClinVar variation 739559 (VCV000739559.18), dbSNP rs372986399, ClinGen allele CA6711508.